The following is an entry in ClinVar:

ClinVar aggregate classification (germline): Pathogenic (1 of 4 stars; one submission).

Conditions:
Aspartylglucosaminuria (AGU). Also called: AGA DEFICIENCY; GLYCOASPARAGINASE; GLYCOSYLASPARAGINASE DEFICIENCY; Aspartylglucos-aminuria; Aspartylglucos-amidase (AGA) deficiency. Identifiers: Orphanet 93, MedGen C0268225, MONDO:0008830, OMIM 208400, HP:0012068.

Submission:

Labcorp Genetics (formerly Invitae), Labcorp
Classification: Pathogenic for Aspartylglucosaminuria. Last evaluated: 2022-02-09. Review status: criteria provided, single submitter. Criteria: Invitae Variant Classification Sherloc (09022015). Collection method: clinical testing. Allele origin: germline.
Comment: This sequence change creates a premature translational stop signal (p.Asp70Glufs*4) in the AGA gene. It is expected to result in an absent or disrupted protein product. Loss-of-function variants in AGA are known to be pathogenic (PMID: 7627186, 11309371). For these reasons, this variant has been classified as Pathogenic. ClinVar contains an entry for this variant (Variation ID: 956675). This variant has not been reported in the literature in individuals affected with AGA-related conditions. This variant is not present in population databases (gnomAD no frequency).

Literature cited by the submitters: PubMed 7627186; PubMed 11309371.

NM_000027.4(AGA):c.210del (p.Asp70fs)

Gene: AGA (aspartylglucosaminidase; minus strand). Cytogenetic location: 4q34.3.
Variant type: Deletion.
Coding change: c.210del on transcript NM_000027.4 (MANE Select); coding-DNA position 210, one base deleted (C; older notation c.210delC).
Protein change: p.Asp70fs; shifts the reading frame from aspartic acid 70.
Molecular consequence: frameshift variant. On other transcripts: non-coding transcript variant (1).
Genome position (GRCh38, 1-based): chr4:177,440,344, G deleted on the plus strand (C on the coding strand, the reverse complement: AGA is on the minus strand). VCF-style (leftmost placement, unchanged base first): chr4-177440343-CG-C. GRCh37 (hg19) VCF-style: chr4-178361497-CG-C.
Other names: c.210del, p.Asp70fs (NM_001171988.2); short protein forms D70fs.
Identifiers: ClinVar variation 956675 (VCV000956675.7), dbSNP rs1736955435, ClinGen allele CA1139658706.